The following is an entry in ClinVar:

NM_002528.7(NTHL1):c.795G>T (p.Glu265Asp)

Gene: NTHL1 (nth like DNA glycosylase 1; minus strand). Cytogenetic location: 16p13.3.
Variant type: single nucleotide variant.
Coding change: c.795G>T on transcript NM_002528.7 (MANE Select); coding-DNA position 795, G replaced by T.
Protein change: p.Glu265Asp; replaces glutamic acid 265 with aspartic acid.
Molecular consequence: missense variant.
Genome position (GRCh38, 1-based): chr16:2,040,044, C>A on the plus strand (G>T on the coding strand, the complement: NTHL1 is on the minus strand). VCF-style: chr16-2040044-C-A. GRCh37 (hg19) VCF-style: chr16-2090045-C-A.
Other names: c.624G>T, p.Glu208Asp (NM_001318193.2); c.465G>T, p.Glu155Asp (NM_001318194.2); short protein forms E155D, E208D, E265D.
Identifiers: ClinVar variation 4662013 (VCV004662013.1).

ClinVar aggregate classification (germline): Uncertain significance (1 of 4 stars; one submission).

Conditions:
Hereditary cancer-predisposing syndrome. Also called: Neoplastic Syndromes, Hereditary; Tumor predisposition; Hereditary Cancer Syndrome; Hereditary neoplastic syndrome. Identifiers: Orphanet 140162, MedGen C0027672, MeSH D009386, MONDO:0015356.

gnomAD v4.1: 1 of 1,612,524 alleles (0.000062%); no homozygotes.

Submission:

Ambry Genetics
Classification: Uncertain significance for Hereditary cancer-predisposing syndrome. Last evaluated: 2025-12-09. Review status: criteria provided, single submitter. Criteria: Ambry Variant Classification Scheme 2023. Collection method: clinical testing. Allele origin: germline.
Comment: The p.E273D variant (also known as c.819G>T), located in coding exon 6 of the NTHL1 gene, results from a G to T substitution at nucleotide position 819. The glutamic acid at codon 273 is replaced by aspartic acid, an amino acid with highly similar properties. This amino acid position is not well conserved in available vertebrate species. In addition, this alteration is predicted to be tolerated by in silico analysis. Based on the available evidence, the clinical significance of this variant remains unclear.